The following is an entry in ClinVar:

ClinVar aggregate classification (germline): Conflicting classifications of pathogenicity. Review status: criteria provided, conflicting classifications (1 of 4 stars). 2 submissions from 2 submitters: Uncertain significance (1); Likely benign (1). Last evaluated 2022-03-03.

Conditions:
Ullrich congenital muscular dystrophy 2 (UCMD2). Identifiers: Orphanet 75840, MedGen C4225314, MONDO:0014654, OMIM 616470.
Bethlem myopathy 2 (BTHLM2). Identifiers: Orphanet 536516, Orphanet 610, MedGen C4225313, MONDO:0034022, OMIM 616471.

Allele frequency attached by ClinVar (database versions not stated): TOPMed 0.00002; gnomAD 0.00003.
gnomAD v4.1: 4 of 1,614,090 alleles (0.00025%); highest among the groups gnomAD compares: African/African-American, 0.004%; no homozygotes.

Submissions (2):

Labcorp Genetics (formerly Invitae), Labcorp
Classification: Likely benign for Bethlem myopathy 2; Ullrich congenital muscular dystrophy 2. Last evaluated: 2022-03-03. Review status: criteria provided, single submitter. Criteria: Invitae Variant Classification Sherloc (09022015). Collection method: clinical testing. Allele origin: germline.

GeneDx
Classification: Uncertain significance. Last evaluated: 2021-06-25. Review status: criteria provided, single submitter. Criteria: GeneDx Variant Classification Process June 2021. Collection method: clinical testing. Allele origin: germline. Affected: yes.
Comment: Not observed at a significant frequency in large population cohorts (Lek et al., 2016); In silico analysis supports that this missense variant does not alter protein structure/function; Has not been previously published as pathogenic or benign to our knowledge; This variant is associated with the following publications: (PMID: 27535533)

NM_004370.6(COL12A1):c.2519A>G (p.Lys840Arg)

Gene: COL12A1 (collagen type XII alpha 1 chain; minus strand). Cytogenetic location: 6q13.
Variant type: single nucleotide variant.
Coding change: c.2519A>G on transcript NM_004370.6 (MANE Select); coding-DNA position 2519, A replaced by G.
Protein change: p.Lys840Arg; replaces lysine 840 with arginine.
Molecular consequence: missense variant. On other transcripts: intron variant (1).
Genome position (GRCh38, 1-based): chr6:75,175,229, T>C on the plus strand (A>G on the coding strand, the complement: COL12A1 is on the minus strand). VCF-style: chr6-75175229-T-C. GRCh37 (hg19) VCF-style: chr6-75884945-T-C.
Other names: c.74-22747A>G (NM_080645.3); short protein forms K840R.
Identifiers: ClinVar variation 1318829 (VCV001318829.6), dbSNP rs1357325121, ClinGen allele CA364762362.